The following is an entry in ClinVar:

NM_003235.5(TG):c.7665C>T (p.Arg2555=)

Gene: TG (thyroglobulin; plus strand). Cytogenetic location: 8q24.22.
Variant type: single nucleotide variant.
Coding change: c.7665C>T on transcript NM_003235.5 (MANE Select); coding-DNA position 7665, C replaced by T.
Protein change: p.Arg2555=; no amino-acid change (arginine 2555 retained).
Molecular consequence: synonymous variant.
Genome position (GRCh38, 1-based): chr8:133,113,514, C>T. VCF-style: chr8-133113514-C-T. GRCh37 (hg19) VCF-style: chr8-134125758-C-T.
Identifiers: ClinVar variation 730701 (VCV000730701.18), dbSNP rs115139074, ClinGen allele CA4885736.

ClinVar aggregate classification (germline): Benign/Likely benign. Review status: criteria provided, multiple submitters, no conflicts (2 of 4 stars). 4 submissions from 4 submitters: Benign (1); Likely benign (3). Last evaluated 2026-01-28.

Allele frequency attached by ClinVar (database versions not stated): gnomAD exomes 0.00063; ExAC 0.00077; 1000 Genomes Project 0.00200; gnomAD 0.00205 and 0.00214; ESP Exome Variant Server 0.00215; TOPMed 0.00240; 1000 Genomes Project 30x 0.00281.
gnomAD v4.1: 645 of 1,614,060 alleles (0.04%); highest among the groups gnomAD compares: African/African-American, 0.72%; 4 homozygotes.

Submissions (4):

Labcorp Genetics (formerly Invitae), Labcorp
Classification: Benign. Last evaluated: 2026-01-28. Review status: criteria provided, single submitter. Criteria: Invitae Variant Classification Sherloc (09022015). Collection method: clinical testing. Allele origin: germline.

CeGaT Center for Human Genetics Tuebingen
Classification: Likely benign. Last evaluated: 2025-10-01. Review status: criteria provided, single submitter. Criteria: CeGaT Center For Human Genetics Tuebingen Variant Classification Criteria Version 2. Collection method: clinical testing. Allele origin: germline. Affected: yes. Observed: 1 variant allele.
Comment: TG: BP4, BP7

Genetic Services Laboratory, University of Chicago
Classification: Likely benign. Last evaluated: 2019-09-19. Review status: criteria provided, single submitter. Criteria: ACMG Guidelines, 2015. Collection method: clinical testing. Allele origin: germline. Affected: no.

Breakthrough Genomics
Classification: Likely benign. Review status: criteria provided, single submitter. Criteria: ACMG Guidelines, 2015. Collection method: not provided. Allele origin: germline. Inheritance: Autosomal recessive inheritance. Affected: yes.